The following is an entry in ClinVar:

ClinVar aggregate classification (germline): Uncertain significance (1 of 4 stars; one submission).

Conditions:
T-cell immunodeficiency, congenital alopecia, and nail dystrophy. Also called: Congenital alopecia and nail dystrophy associated with severe functional T-cell immunodeficiency; Pignata Guarino syndrome. Identifiers: Orphanet 169095, MedGen C1866426, MONDO:0011132, OMIM 601705.

Submission:

Labcorp Genetics (formerly Invitae), Labcorp
Classification: Uncertain significance for T-cell immunodeficiency, congenital alopecia, and nail dystrophy. Last evaluated: 2025-01-13. Review status: criteria provided, single submitter. Criteria: Invitae Variant Classification Sherloc (09022015). Collection method: clinical testing. Allele origin: germline.
Comment: This sequence change replaces proline, which is neutral and non-polar, with serine, which is neutral and polar, at codon 582 of the FOXN1 protein (p.Pro582Ser). This variant is not present in population databases (gnomAD no frequency). This variant has not been reported in the literature in individuals affected with FOXN1-related conditions. Invitae Evidence Modeling of protein sequence and biophysical properties (such as structural, functional, and spatial information, amino acid conservation, physicochemical variation, residue mobility, and thermodynamic stability) indicates that this missense variant is not expected to disrupt FOXN1 protein function with a negative predictive value of 80%. In summary, the available evidence is currently insufficient to determine the role of this variant in disease. Therefore, it has been classified as a Variant of Uncertain Significance.

NM_001369369.1(FOXN1):c.1744C>T (p.Pro582Ser)

Gene: FOXN1 (forkhead box N1; plus strand). Cytogenetic location: 17q11.2.
Variant type: single nucleotide variant.
Coding change: c.1744C>T on transcript NM_001369369.1 (MANE Select); coding-DNA position 1744, C replaced by T.
Protein change: p.Pro582Ser; replaces proline 582 with serine.
Molecular consequence: missense variant.
Genome position (GRCh38, 1-based): chr17:28,537,233, C>T. VCF-style: chr17-28537233-C-T. GRCh37 (hg19) VCF-style: chr17-26864251-C-T.
Other names: c.1744C>T, p.Pro582Ser (NM_003593.3); short protein forms P582S.
Identifiers: ClinVar variation 3623139 (VCV003623139.2).
Genomic context (GRCh38, chr17:28,537,233, plus strand): 5'-GTGACCTCATCCCCGACATCATCTTCGATGCCACCACCCCAGCCACCACCTCACTGCTTC[C>T]CCCCTGGGCCCTGTCTGACAGAGACAGGCAGTGGGGCAGGTGACTTGGCAGCCCCGGGCA-3'
Protein context (NP_001356298.1, residues 572-592): PPPQPPPHCF[Pro582Ser]PGPCLTETGS